The following is an entry in ClinVar:

ClinVar aggregate classification (germline): Uncertain significance. Review status: criteria provided, multiple submitters, no conflicts (2 of 4 stars). 2 submissions from 2 submitters: Uncertain significance (2). Last evaluated 2025-06-18.

Conditions:
Inborn genetic diseases. Identifiers: MedGen C0950123, MeSH D030342.

Submissions (2):

Ambry Genetics
Classification: Uncertain significance for Inborn genetic diseases. Last evaluated: 2025-06-18. Review status: criteria provided, single submitter. Criteria: Ambry Variant Classification Scheme 2023. Collection method: clinical testing. Allele origin: germline.

GeneDx
Classification: Uncertain significance. Last evaluated: 2025-02-06. Review status: criteria provided, single submitter. Criteria: GeneDx Variant Classification Process June 2021. Collection method: clinical testing. Allele origin: germline.
Comment: Not observed at significant frequency in large population cohorts (gnomAD); In silico analysis supports that this missense variant has a deleterious effect on protein structure/function; Has not been previously published as pathogenic or benign to our knowledge

NM_006623.4(PHGDH):c.914A>G (p.Asp305Gly)

Gene: PHGDH (phosphoglycerate dehydrogenase; plus strand). Cytogenetic location: 1p12.
Variant type: single nucleotide variant.
Coding change: c.914A>G on transcript NM_006623.4 (MANE Select); coding-DNA position 914, A replaced by G.
Protein change: p.Asp305Gly; replaces aspartic acid 305 with glycine.
Molecular consequence: missense variant.
Genome position (GRCh38, 1-based): chr1:119,737,235, A>G. VCF-style: chr1-119737235-A-G. GRCh37 (hg19) VCF-style: chr1-120279858-A-G.
Other names: short protein forms D305G.
Identifiers: ClinVar variation 1707983 (VCV001707983.4), dbSNP rs773652124, ClinGen allele CA341851445.
Genomic context (GRCh38, chr1:119,737,235, plus strand): 5'-GTGCCAGCACCAAGGAGGCTCAGAGCCGCTGTGGGGAGGAAATTGCTGTTCAGTTCGTGG[A>G]CATGGTGAAGGGGAAATCTCTCACGGGGGTTGTAAGTATCACCACCTGGGGCTGGGGGCC-3'
Protein context (NP_006614.2, residues 295-315): CGEEIAVQFV[Asp305Gly]MVKGKSLTGV